The following is an entry in ClinVar:

NM_000784.4(CYP27A1):c.501G>A (p.Lys167=)

Gene: CYP27A1 (cytochrome P450 family 27 subfamily A member 1; plus strand). Cytogenetic location: 2q35.
Variant type: single nucleotide variant.
Coding change: c.501G>A on transcript NM_000784.4 (MANE Select); coding-DNA position 501, G replaced by A.
Protein change: p.Lys167=; no amino-acid change (lysine 167 retained).
Molecular consequence: synonymous variant.
Genome position (GRCh38, 1-based): chr2:218,812,276, G>A. VCF-style: chr2-218812276-G-A. GRCh37 (hg19) VCF-style: chr2-219676999-G-A.
Other names: c.501G>A (NM_000784.3).
Identifiers: ClinVar variation 1097368 (VCV001097368.12), dbSNP rs921885901, ClinGen allele CA65832571.

ClinVar aggregate classification (germline): Likely benign. Review status: criteria provided, multiple submitters, no conflicts (2 of 4 stars). 3 submissions from 3 submitters: Likely benign (2). 1 of the submissions does not count toward it. Last evaluated 2025-09-27.

Conditions:
Cardiovascular phenotype. Identifiers: MedGen CN230736.
CYP27A1-related disorder. Also called: CYP27A1-related condition.
Cholestanol storage disease (CTX). Also called: CTX: Cerebrotendinous xanthomatosis; CEREBRAL CHOLESTERINOSIS; Cerebrotendinous Xanthomatosis. Identifiers: Orphanet 909, MedGen C0238052, MONDO:0008948, OMIM 213700.

Allele frequency attached by ClinVar (database versions not stated): gnomAD exomes 0.00001; gnomAD 0.00003 and 0.00004; TOPMed 0.00003.
gnomAD v4.1: 19 of 1,614,128 alleles (0.0012%); highest among the groups gnomAD compares: African/African-American, 0.004%; no homozygotes.

Submissions (3):

Labcorp Genetics (formerly Invitae), Labcorp
Classification: Likely benign for Cholestanol storage disease. Last evaluated: 2025-09-27. Review status: criteria provided, single submitter. Criteria: Invitae Variant Classification Sherloc (09022015). Collection method: clinical testing. Allele origin: germline.

Ambry Genetics
Classification: Likely benign for Cardiovascular phenotype. Last evaluated: 2023-04-22. Review status: criteria provided, single submitter. Criteria: Ambry Variant Classification Scheme 2023. Collection method: clinical testing. Allele origin: germline.

PreventionGenetics, part of Exact Sciences
Classification: Likely benign for CYP27A1-related condition. Last evaluated: 2023-06-21. Review status: no assertion criteria provided. Collection method: clinical testing. Allele origin: germline. Not counted in ClinVar's aggregate classification.
Comment: This variant is classified as likely benign based on ACMG/AMP sequence variant interpretation guidelines (Richards et al. 2015 PMID: 25741868, with internal and published modifications).